The following is an entry in ClinVar:

NM_005902.4(SMAD3):c.1A>C (p.Met1Leu)

Genes: SMAD3 (SMAD family member 3; plus strand), LOC130057352 (ATAC-STARR-seq lymphoblastoid silent region 6574; plus strand). Cytogenetic location: 15q22.33.
Variant type: single nucleotide variant.
Coding change: c.1A>C on transcript NM_005902.4 (MANE Select); coding-DNA position 1, A replaced by C.
Protein change: p.Met1Leu; changes the start codon (methionine 1).
Molecular consequence: missense variant, initiator codon variant.
Genome position (GRCh38, 1-based): chr15:67,066,155, A>C. VCF-style: chr15-67066155-A-C. GRCh37 (hg19) VCF-style: chr15-67358493-A-C.
Other names: short protein forms M1L.
Identifiers: ClinVar variation 520186 (VCV000520186.11), dbSNP rs1555405092, ClinGen allele CA393202665.
Genomic context (GRCh38, chr15:67,066,155, plus strand): 5'-GTCCCGTCGAGCCCAGCCCCGCCGGGGGCGCTCCTCGCCGCCCGCGCGCCCTCCCCAGCC[A>C]TGTCGTCCATCCTGCCTTTCACTCCCCCGATCGTGAAGCGCCTGCTGGGCTGGAAGAAGG-3'
Protein context (NP_005893.1, residues 1-11): [Met1Leu]SSILPFTPPI

ClinVar aggregate classification (germline): Pathogenic/Likely pathogenic. Review status: criteria provided, multiple submitters, no conflicts (2 of 4 stars). 3 submissions from 3 submitters: Pathogenic (1); Likely pathogenic (2). Last evaluated 2025-05-12.

Conditions:
Aneurysm-osteoarthritis syndrome. Also called: SMAD3-Related Loeys-Dietz Syndrome; ANEURYSMS-OSTEOARTHRITIS SYNDROME; LOEYS-DIETZ SYNDROME WITH OSTEOARTHRITIS; Loeys-Dietz syndrome, type 1C. Identifiers: Orphanet 284984, MedGen C3151087, MONDO:0013426, OMIM 613795.
Familial thoracic aortic aneurysm and aortic dissection (TAAD). Also called: Thoracic aortic aneurysms and dissections. Identifiers: Orphanet 91387, MedGen C4707243, MONDO:0019625.

Submissions (3):

Clinical Biomedical Laboratory, Shriners Hospital For Children - Canada
Classification: Likely pathogenic for Aneurysm-osteoarthritis syndrome. Last evaluated: 2025-05-12. Review status: criteria provided, single submitter. Criteria: ACMG Guidelines, 2015. Collection method: clinical testing. Allele origin: germline. Affected: yes.
Comment: This variant leads to a start-loss effect. This variant is absent from the Genome Aggregation Database (v.2.1.1). Heterozygous loss of function variants in SMAD3 are an established cause of Loeys-Dietz syndrome 3 (PMID 22167769), which corresponds to the clinical diagnosis of the proband.

Labcorp Genetics (formerly Invitae), Labcorp
Classification: Pathogenic for Familial thoracic aortic aneurysm and aortic dissection. Last evaluated: 2024-12-10. Review status: criteria provided, single submitter. Criteria: Invitae Variant Classification Sherloc (09022015). Collection method: clinical testing. Allele origin: germline.
Comment: This sequence change affects the initiator methionine of the SMAD3 mRNA. The next in-frame methionine is located at codon 106. This variant is not present in population databases (gnomAD no frequency). Disruption of the initiator codon has been observed in individuals with spontaneous coronary artery dissection and/or thoracic aortic aneurysm and/or dissection (PMID: 29907982, 33125268; internal data). ClinVar contains an entry for this variant (Variation ID: 520186). This variant disrupts a region of the SMAD3 protein in which other variant(s) (p.Arg74Trp) have been determined to be pathogenic (PMID: 29510914, 31096651; internal data). This suggests that this is a clinically significant region of the protein, and that variants that disrupt it are likely to be disease-causing. For these reasons, this variant has been classified as Pathogenic.

Ambry Genetics
Classification: Likely pathogenic for Familial thoracic aortic aneurysm and aortic dissection. Last evaluated: 2018-04-13. Review status: criteria provided, single submitter. Criteria: Ambry Variant Classification Scheme 2023. Collection method: clinical testing. Allele origin: germline.
Comment: The p.M1? variant (also known as c.1A>C), located in coding exon 1 of the SMAD3 gene, results from an A to C substitution at nucleotide position 1. This alters the methionine residue at the initiation codon. In addition to the clinical data presented in the literature, since sequence variations that modify the initiation codon (ATG) are expected to result in either loss of translation initiation, N-terminal truncation, or cause a shift in the mRNA reading frame, this variant is likely to be pathogenic.

Literature cited by the submitters: PubMed 22167769 (cited by Clinical Biomedical Laboratory, Shriners Hospital For Children - Canada); PubMed 29907982 (cited by Labcorp Genetics (formerly Invitae), Labcorp); PubMed 33125268 (cited by Labcorp Genetics (formerly Invitae), Labcorp); PubMed 29510914 (cited by Labcorp Genetics (formerly Invitae), Labcorp); PubMed 31096651 (cited by Labcorp Genetics (formerly Invitae), Labcorp); PubMed 24711937 (cited by Ambry Genetics).